The following is an entry in ClinVar:

NM_001023.4(RPS20):c.112G>C (p.Asp38His)

Gene: RPS20 (ribosomal protein S20; minus strand). Cytogenetic location: 8q12.1.
Variant type: single nucleotide variant.
Coding change: c.112G>C on transcript NM_001023.4 (MANE Select); coding-DNA position 112, G replaced by C.
Protein change: p.Asp38His; replaces aspartic acid 38 with histidine.
Molecular consequence: missense variant.
Genome position (GRCh38, 1-based): chr8:56,073,760, C>G on the plus strand (G>C on the coding strand, the complement: RPS20 is on the minus strand). VCF-style: chr8-56073760-C-G. GRCh37 (hg19) VCF-style: chr8-56986319-C-G.
Other names: c.112G>C, p.Asp38His (NM_001146227.3); short protein forms D38H.
Identifiers: ClinVar variation 4156740 (VCV004156740.1).
Genomic context (GRCh38, chr8:56,073,760, plus strand): 5'-TAGGCATTCGAACTGGTCCTTTCACTTTGAGATTCTTTTCTTTTGCGCCTCTTATCAAGT[C>G]AGCACACACTACAGGAAATAAAAGACCTCTCAGTATAATCGAAACAATTAAAATCGGCTT-3'
Protein context (NP_001014.1, residues 28-48): NVKSLEKVCA[Asp38His]LIRGAKEKNL

ClinVar aggregate classification (germline): Uncertain significance (1 of 4 stars; one submission).

Submission:

Ambry Genetics
Classification: Uncertain significance. Last evaluated: 2025-07-03. Review status: criteria provided, single submitter. Criteria: Ambry Variant Classification Scheme 2023. Collection method: clinical testing. Allele origin: germline.
Comment: The p.D38H variant (also known as c.112G>C), located in coding exon 3 of the RPS20 gene, results from a G to C substitution at nucleotide position 112. The aspartic acid at codon 38 is replaced by histidine, an amino acid with similar properties. This amino acid position is conserved. In addition, this alteration is predicted to be deleterious by in silico analysis. Based on the available evidence, the clinical significance of this variant remains unclear.